The following is an entry in ClinVar:

ClinVar aggregate classification (germline): Uncertain significance. Review status: criteria provided, multiple submitters, no conflicts (2 of 4 stars). 2 submissions from 2 submitters: Uncertain significance (2). Last evaluated 2023-07-25.

Conditions:
Familial meningioma. Also called: Meningioma, familial, susceptibility to. Identifiers: Orphanet 263662, MedGen C3551915, MONDO:0011789, OMIM 607174.
Hereditary cancer-predisposing syndrome. Also called: Neoplastic Syndromes, Hereditary; Tumor predisposition; Hereditary neoplastic syndrome; Hereditary Cancer Syndrome. Identifiers: Orphanet 140162, MedGen C0027672, MeSH D009386, MONDO:0015356.

Submissions (2):

Labcorp Genetics (formerly Invitae), Labcorp
Classification: Uncertain significance for Familial meningioma. Last evaluated: 2023-07-25. Review status: criteria provided, single submitter. Criteria: Invitae Variant Classification Sherloc (09022015). Collection method: clinical testing. Allele origin: germline.
Comment: In summary, the available evidence is currently insufficient to determine the role of this variant in disease. Therefore, it has been classified as a Variant of Uncertain Significance. Advanced modeling of protein sequence and biophysical properties (such as structural, functional, and spatial information, amino acid conservation, physicochemical variation, residue mobility, and thermodynamic stability) performed at Invitae indicates that this missense variant is expected to disrupt SMARCE1 protein function. ClinVar contains an entry for this variant (Variation ID: 2451747). This variant has not been reported in the literature in individuals affected with SMARCE1-related conditions. This variant is not present in population databases (gnomAD no frequency). This sequence change replaces lysine, which is basic and polar, with threonine, which is neutral and polar, at codon 228 of the SMARCE1 protein (p.Lys228Thr).

Ambry Genetics
Classification: Uncertain significance for Hereditary cancer-predisposing syndrome. Last evaluated: 2022-12-28. Review status: criteria provided, single submitter. Criteria: Ambry Variant Classification Scheme 2023. Collection method: clinical testing. Allele origin: germline.
Comment: The p.K228T variant (also known as c.683A>C), located in coding exon 7 of the SMARCE1 gene, results from an A to C substitution at nucleotide position 683. The lysine at codon 228 is replaced by threonine, an amino acid with similar properties. This amino acid position is highly conserved in available vertebrate species. In addition, the in silico prediction for this alteration is inconclusive. Missense and in-frame variants in SMARCE1 are known to cause neurodevelopmental disorders; however, such associations with increased risk of meningiomas are exceedingly rare (Kosho T et al. Am J Med Genet C Semin Med Genet. 2014 Sep;166C(3):262-75; Smith JM et al. Nat Genet. 2013 Mar;45(3):295-8). Based on the supporting evidence, the association of this alteration with Coffin-Siris syndrome is unknown; however, the association of this alteration with an increased risk of meningiomas is unlikely.

NM_003079.5(SMARCE1):c.683A>C (p.Lys228Thr)

Gene: SMARCE1 (SWI/SNF related BAF chromatin remodeling complex subunit E1; minus strand). Cytogenetic location: 17q21.2.
Variant type: single nucleotide variant.
Coding change: c.683A>C on transcript NM_003079.5 (MANE Select); coding-DNA position 683, A replaced by C.
Protein change: p.Lys228Thr; replaces lysine 228 with threonine.
Molecular consequence: missense variant.
Genome position (GRCh38, 1-based): chr17:40,632,226, T>G on the plus strand (A>C on the coding strand, the complement: SMARCE1 is on the minus strand). VCF-style: chr17-40632226-T-G. GRCh37 (hg19) VCF-style: chr17-38788478-T-G.
Other names: short protein forms K228T.
Identifiers: ClinVar variation 2451747 (VCV002451747.5), dbSNP rs2037102487, ClinGen allele CA399364600.